The following is an entry in ClinVar:

NM_005751.5(AKAP9):c.11152C>T (p.Gln3718Ter)

Gene: AKAP9 (A-kinase anchoring protein 9; plus strand). Cytogenetic location: 7q21.2.
Variant type: single nucleotide variant.
Coding change: c.11152C>T on transcript NM_005751.5 (MANE Select); coding-DNA position 11152, C replaced by T.
Protein change: p.Gln3718Ter; replaces glutamine 3718 with a stop codon.
Molecular consequence: nonsense.
Genome position (GRCh38, 1-based): chr7:92,102,648, C>T. VCF-style: chr7-92102648-C-T. GRCh37 (hg19) VCF-style: chr7-91731962-C-T.
Other names: c.5797C>T, p.Gln1933Ter (NM_001379277.1); c.11128C>T, p.Gln3710Ter (NM_147185.3); short protein forms Q1933*, Q3718*, Q3710*.
Identifiers: ClinVar variation 5034083 (VCV005034083.1).

ClinVar aggregate classification (germline): Uncertain significance (1 of 4 stars; one submission).

Conditions:
Cardiovascular phenotype. Identifiers: MedGen CN230736.

gnomAD v4.1: 2 of 1,614,132 alleles (0.00012%); highest among the groups gnomAD compares: Non-Finnish European, 0.00017%; no homozygotes.

Submission:

Ambry Genetics
Classification: Uncertain significance for Cardiovascular phenotype. Last evaluated: 2026-08-17. Review status: criteria provided, single submitter. Criteria: Ambry Variant Classification Scheme 2023. Collection method: clinical testing. Allele origin: germline.
Comment: The p.Q3718* variant (also known as c.11152C>T), located in coding exon 46 of the AKAP9 gene, results from a C to T substitution at nucleotide position 11152. This changes the amino acid from a glutamine to a stop codon within coding exon 46. The evidence for this gene-disease relationship is limited; therefore, the clinical significance of this variant is unclear.